The following is an entry in ClinVar:

ClinVar aggregate classification (germline): Likely pathogenic (1 of 4 stars; one submission).

Conditions:
Bardet-Biedl syndrome (BBS). Identifiers: Orphanet 110, MedGen C0752166, MONDO:0015229.

Submission:

Labcorp Genetics (formerly Invitae), Labcorp
Classification: Likely pathogenic for Bardet-Biedl syndrome. Last evaluated: 2023-08-27. Review status: criteria provided, single submitter. Criteria: Invitae Variant Classification Sherloc (09022015). Collection method: clinical testing. Allele origin: germline.
Comment: Algorithms developed to predict the effect of sequence changes on RNA splicing suggest that this variant may disrupt the consensus splice site. This sequence change affects an acceptor splice site in intron 12 of the BBS1 gene. It is expected to disrupt RNA splicing. Variants that disrupt the donor or acceptor splice site typically lead to a loss of protein function (PMID: 16199547), and loss-of-function variants in BBS1 are known to be pathogenic (PMID: 12118255, 21520335, 27032803). This variant is not present in population databases (gnomAD no frequency). This variant has not been reported in the literature in individuals affected with BBS1-related conditions. In summary, the currently available evidence indicates that the variant is pathogenic, but additional data are needed to prove that conclusively. Therefore, this variant has been classified as Likely Pathogenic.

Literature cited by the submitters: PubMed 16199547; PubMed 12118255; PubMed 21520335; PubMed 27032803.

NM_024649.5(BBS1):c.1181-1G>C

Genes: BBS1 (Bardet-Biedl syndrome 1; plus strand), ZDHHC24 (zDHHC palmitoyltransferase 24; minus strand). Cytogenetic location: 11q13.2.
Variant type: single nucleotide variant.
Coding change: c.1181-1G>C on transcript NM_024649.5 (MANE Select); the canonical splice acceptor site of the intron before coding-DNA position 1181, G replaced by C.
Molecular consequence: splice acceptor variant. On other transcripts: intron variant (1).
Genome position (GRCh38, 1-based): chr11:66,526,648, G>C. VCF-style: chr11-66526648-G-C. GRCh37 (hg19) VCF-style: chr11-66294119-G-C.
Other names: c.*21+288C>G (NM_001348571.2).
Identifiers: ClinVar variation 2753152 (VCV002753152.3), dbSNP rs2495800494, ClinGen allele CA381422392.